The following is an entry in ClinVar:

NM_024675.4(PALB2):c.2781T>C (p.Asp927=)

Gene: PALB2 (partner and localizer of BRCA2; minus strand). Cytogenetic location: 16p12.2.
Variant type: single nucleotide variant.
Coding change: c.2781T>C on transcript NM_024675.4 (MANE Select); coding-DNA position 2781, T replaced by C.
Protein change: p.Asp927=; no amino-acid change (aspartic acid 927 retained).
Molecular consequence: synonymous variant.
Genome position (GRCh38, 1-based): chr16:23,624,062, A>G on the plus strand (T>C on the coding strand, the complement: PALB2 is on the minus strand). VCF-style: chr16-23624062-A-G. GRCh37 (hg19) VCF-style: chr16-23635383-A-G.
Identifiers: ClinVar variation 1083247 (VCV001083247.11), dbSNP rs1373766717, ClinGen allele CA494181212.
Genomic context (GRCh38, chr16:23,624,062, plus strand): 5'-TACATACCTGATCTCTCTGATTTCCAAATTTCCCAAAGCTACACACACGAGATTATACAC[A>G]TCAGGCACTGGAACTATCTGTAATACTGGAACCTAAATAAAACAAAGCAGCCAAAAATTA-3'
Protein context (NP_078951.2, residues 917-937): VPVLQIVPVP[Asp927=]VYNLVCVALG

ClinVar aggregate classification (germline): Benign/Likely benign. Review status: criteria provided, multiple submitters, no conflicts (2 of 4 stars). 2 submissions from 2 submitters: Benign (1); Likely benign (1). Last evaluated 2025-01-17.

Conditions:
Familial cancer of breast. Also called: hereditary breast carcinoma; BREAST CANCER, FAMILIAL; Hereditary breast cancer. Identifiers: Orphanet 227535, MedGen C0346153, MONDO:0016419, OMIM 114480. Disease mechanism: loss of function.

Submissions (2):

Myriad Genetics, Inc.
Classification: Benign for Familial cancer of breast. Last evaluated: 2025-01-17. Review status: criteria provided, single submitter. Criteria: Myriad Autosomal Dominant, Autosomal Recessive and X-Linked Classification Criteria (2023). Collection method: clinical testing. Allele origin: unknown.
Comment: This variant is considered benign. This variant is a silent/synonymous amino acid change and it is not expected to impact splicing.

Labcorp Genetics (formerly Invitae), Labcorp
Classification: Likely benign for Familial cancer of breast. Last evaluated: 2023-08-16. Review status: criteria provided, single submitter. Criteria: Invitae Variant Classification Sherloc (09022015). Collection method: clinical testing. Allele origin: germline.